The following is an entry in ClinVar:

ClinVar aggregate classification (germline): Likely benign. Review status: criteria provided, multiple submitters, no conflicts (2 of 4 stars). 5 submissions from 5 submitters: Likely benign (5). Last evaluated 2025-11-17.

Conditions:
Developmental and epileptic encephalopathy, 36 (DEE36). Also called: Epileptic encephalopathy, early infantile, 36; Congenital disorder of glycosylation, type Is; ALG13-CDG. Identifiers: Orphanet 324422, MedGen C4317295, MONDO:0010472, OMIM 300884.

Allele frequency attached by ClinVar (database versions not stated): ExAC below 0.00001; gnomAD exomes 0.00006; gnomAD 0.00011 and 0.00014.
gnomAD v4.1: 143 of 862,739 alleles (0.017%); highest among the groups gnomAD compares: Non-Finnish European, 0.021%; no homozygotes.

Submissions (5):

Labcorp Genetics (formerly Invitae), Labcorp
Classification: Likely benign for Developmental and epileptic encephalopathy, 36. Last evaluated: 2025-11-17. Review status: criteria provided, single submitter. Criteria: Invitae Variant Classification Sherloc (09022015). Collection method: clinical testing. Allele origin: germline.

Blueprint Genetics
Classification: Likely benign. Last evaluated: 2024-11-12. Review status: criteria provided, single submitter. Criteria: ACMG Guidelines, 2015. Collection method: clinical testing. Allele origin: germline.

CeGaT Center for Human Genetics Tuebingen
Classification: Likely benign. Last evaluated: 2024-09-01. Review status: criteria provided, single submitter. Criteria: CeGaT Center For Human Genetics Tuebingen Variant Classification Criteria Version 2. Collection method: clinical testing. Allele origin: germline. Affected: yes. Observed: 2 variant alleles.
Comment: ALG13: BP4, BP7, BS2

Fulgent Genetics
Classification: Likely benign for Developmental and epileptic encephalopathy, 36. Last evaluated: 2021-10-21. Review status: criteria provided, single submitter. Criteria: ACMG Guidelines, 2015. Collection method: clinical testing. Allele origin: unknown.

GeneDx
Classification: Likely benign. Last evaluated: 2019-01-07. Review status: criteria provided, single submitter. Criteria: GeneDx Variant Classification Process June 2021. Collection method: clinical testing. Allele origin: germline. Affected: yes.

NM_001099922.3(ALG13):c.2787A>G (p.Pro929=)

Gene: ALG13 (ALG13 UDP-N-acetylglucosaminyltransferase subunit; plus strand). Cytogenetic location: Xq23.
Variant type: single nucleotide variant.
Coding change: c.2787A>G on transcript NM_001099922.3 (MANE Select); coding-DNA position 2787, A replaced by G.
Protein change: p.Pro929=; no amino-acid change (proline 929 retained).
Molecular consequence: synonymous variant. On other transcripts: intron variant (5).
Genome position (GRCh38, 1-based): chrX:111,744,759, A>G. VCF-style: chrX-111744759-A-G. GRCh37 (hg19) VCF-style: chrX-110987987-A-G.
Other names: c.2553A>G, p.Pro851= (NM_001257231.2); c.2383+7880A>G (NM_001257237.2, NM_001257234.2, NM_001257230.2); c.2209+7880A>G (NM_001324293.1); c.2695+7880A>G (NM_001324292.2).
Identifiers: ClinVar variation 517044 (VCV000517044.34), dbSNP rs772431643, ClinGen allele CA10493975.